The following is an entry in ClinVar:

NM_005148.4(UNC119):c.*135_*138del

Gene: UNC119 (unc-119 lipid binding chaperone; minus strand). Cytogenetic location: 17q11.2.
Variant type: Deletion.
Coding change: c.*135_*138del on transcript NM_005148.4 (MANE Select); 135 bases downstream of the stop codon through 138 bases downstream of the stop codon, 4 bases deleted (GAGG; older notation c.*135_*138delGAGG).
Molecular consequence: 3 prime UTR variant.
Genome position (GRCh38, 1-based): chr17:28,547,159-28,547,162, CCTC deleted on the plus strand (GAGG on the coding strand, the reverse complement: UNC119 is on the minus strand); deleting any 4 consecutive bases within chr17:28,547,159-28,547,164 gives the same sequence; the c. name uses the placement nearest the transcript's 3' end. VCF-style (leftmost placement, unchanged base first): chr17-28547158-TCCTC-T. GRCh37 (hg19) VCF-style: chr17-26874176-TCCTC-T.
Other names: NM_005148.4:c.*135_*138del; c.*135_*138del (NM_001330166.2); c.*462_*465del (NM_054035.2).
Identifiers: ClinVar variation 4974518 (VCV004974518.1).

ClinVar aggregate classification (germline): Uncertain significance (1 of 4 stars; one submission).

Conditions:
Cone-rod dystrophy. Also called: Cone-rod degeneration; Cone/cone-rod dystrophy. Identifiers: Orphanet 1872, MedGen C4085590, MONDO:0015993, HP:0000548.

Submission:

Broad Center for Mendelian Genomics, Broad Institute of MIT and Harvard
Classification: Uncertain significance for Cone-rod dystrophy. Last evaluated: 2026-08-26. Review status: criteria provided, single submitter. Criteria: ACMG Guidelines, 2015. Collection method: research. Allele origin: germline. Inheritance: Autosomal dominant inheritance. Study: GREGoR Consortium.
Comment: The c.*135_*138del variant in UNC119 has not been previously reported in the literature in individuals with cone-rod dystrophy and was absent from large population studies. Computational prediction tools and conservation analyses do not provide strong support for or against an impact to the protein. In summary, the clinical significance of the c.*135_*138del variant is uncertain. ACMG/AMP Criteria applied: PM2_supporting (Richards 2015).